The following is an entry in ClinVar:

ClinVar aggregate classification (germline): Uncertain significance (1 of 4 stars; one submission).

Conditions:
Malignant hyperthermia, susceptibility to, 1 (MHS1). Also called: RYR1-Related Malignant Hyperthermia Susceptibility; Malignant hyperthermia suceptibility 1; Anesthesia related hyperthermia; Malignant hyperpyrexia; Fulminating hyperpyrexia; Pharmacogenic myopathy. Identifiers: Orphanet 423, MedGen C2930980, MONDO:0007783, OMIM 145600.

gnomAD v4.1: 3 of 1,614,174 alleles (0.00019%); highest among the groups gnomAD compares: East Asian, 0.0022%; no homozygotes.

Submission:

Color Diagnostics, LLC DBA Color Health
Classification: Uncertain significance for Malignant hyperthermia, susceptibility to, 1. Last evaluated: 2025-07-25. Review status: criteria provided, single submitter. Criteria: ACMG Guidelines, 2015. Collection method: clinical testing. Allele origin: germline.
Comment: This missense variant replaces glycine with serine at codon 4037 of the RYR1 protein. Computational prediction suggests that this variant may have deleterious impact on protein structure and function. To our knowledge, functional studies have not been reported for this variant. This variant has not been reported in individuals affected with RYR1-related disorders in the literature. This variant has been identified in 1/251464 chromosomes in the general population by the Genome Aggregation Database (gnomAD). The available evidence is insufficient to determine the role of this variant in disease conclusively. Therefore, this variant is classified as a Variant of Uncertain Significance.

NM_000540.3(RYR1):c.12109G>A (p.Gly4037Ser)

Gene: RYR1 (ryanodine receptor 1; plus strand). Cytogenetic location: 19q13.2.
Variant type: single nucleotide variant.
Coding change: c.12109G>A on transcript NM_000540.3 (MANE Select); coding-DNA position 12109, G replaced by A.
Protein change: p.Gly4037Ser; replaces glycine 4037 with serine.
Molecular consequence: missense variant.
Genome position (GRCh38, 1-based): chr19:38,548,247, G>A. VCF-style: chr19-38548247-G-A. GRCh37 (hg19) VCF-style: chr19-39038887-G-A.
Other names: c.12094G>A, p.Gly4032Ser (NM_001042723.2); short protein forms G4032S, G4037S.
Identifiers: ClinVar variation 4757695 (VCV004757695.1).